The following is an entry in ClinVar:

NM_175914.5(HNF4A):c.869G>T (p.Arg290Leu)

Gene: HNF4A (hepatocyte nuclear factor 4 alpha; plus strand). Cytogenetic location: 20q13.12.
Variant type: single nucleotide variant.
Coding change: c.869G>T on transcript NM_175914.5 (MANE Select); coding-DNA position 869, G replaced by T.
Protein change: p.Arg290Leu; replaces arginine 290 with leucine.
Molecular consequence: missense variant.
Genome position (GRCh38, 1-based): chr20:44,424,060, G>T. VCF-style: chr20-44424060-G-T. GRCh37 (hg19) VCF-style: chr20-43052700-G-T.
Other names: NM_175914.5:c.869G>T; c.935G>T, p.Arg312Leu (NM_000457.6, NM_178849.3, NM_178850.3); c.869G>T, p.Arg290Leu (NM_001030003.3, NM_001030004.3); c.914G>T, p.Arg305Leu (NM_001258355.2); c.860G>T, p.Arg287Leu (NM_001287182.2, NM_001287183.2, NM_001287184.2); short protein forms R287L, R290L, R305L, R312L.
Identifiers: ClinVar variation 3234003 (VCV003234003.1), dbSNP rs1191912908, ClinGen allele CA409108074.

ClinVar aggregate classification (germline): Likely pathogenic (3 of 4 stars; one submission).

Conditions:
Monogenic diabetes. Identifiers: Orphanet 183625, MedGen C3888631, MONDO:0015967.

Submission:

ClinGen Monogenic Diabetes Variant Curation Expert Panel
Classification: Likely pathogenic for Monogenic diabetes. Last evaluated: 2024-04-07. Review status: reviewed by expert panel. Criteria: ClinGen Diabetes ACMG Specifications HNF4A V2.0.0. Collection method: curation. Allele origin: germline. Inheritance: Autosomal dominant inheritance.
Comment: The c.869G>T variant in the hepatocyte nuclear factor 4-alpha gene, HNF4A, causes an amino acid change of arginine to leucine at codon 290 (p.(Arg290Leu)) of NM_175914.5. This variant is predicted to be deleterious by computational evidence, with a REVEL score of 0.936, which is greater than the MDEP VCEP threshold of 0.70 (PP3). This variant is absent from gnomAD v2.1.1 (PM2_Supporting). This variant was identified in an individual with a clinical history highly specific for HNF4A-monogenic diabetes (MODY probability calculator result >50%, negative genetic testing for HNF1A, and responsive to sulfonylureas) (PP4_Moderate; internal lab contributors). This variant segregated with diabetes, with 3 informative meioses in 1 family (PP1; internal lab contributors). Two other missense variants, c.868C>T p.Arg290Cys and c.869G>A p.Arg290His, have been interpreted as pathogenic by the ClinGen MDEP (PM5_Strong). In summary, c.869G>T meets the criteria to be classified as Likely pathogenic for monogenic diabetes. ACMG/AMP criteria applied, as specified by the ClinGen MDEP (specification version 2.0.0, approved 10/11/2023): PM5_Strong, PP4_Moderate, PP1, PP3, PM2_Supporting.